The following is an entry in ClinVar:

ClinVar aggregate classification (germline): Conflicting classifications of pathogenicity. Review status: criteria provided, conflicting classifications (1 of 4 stars). 2 submissions from 2 submitters: Uncertain significance (1); Likely benign (1). Last evaluated 2024-03-27.

Conditions:
Cone-rod dystrophy 5 (CORD5). Identifiers: Orphanet 1872, MedGen C1832976, MONDO:0010969, OMIM 600977.

Allele frequency attached by ClinVar (database versions not stated): ExAC 0.00002; gnomAD exomes 0.00002 and 0.00006; gnomAD 0.00003 and 0.00004; TOPMed 0.00004.
gnomAD v4.1: 94 of 1,613,460 alleles (0.0058%); highest among the groups gnomAD compares: Non-Finnish European, 0.0077%; no homozygotes.

Submissions (2):

Labcorp Genetics (formerly Invitae), Labcorp
Classification: Uncertain significance. Last evaluated: 2024-03-27. Review status: criteria provided, single submitter. Criteria: Invitae Variant Classification Sherloc (09022015). Collection method: clinical testing. Allele origin: germline.
Comment: This sequence change replaces aspartic acid, which is acidic and polar, with asparagine, which is neutral and polar, at codon 285 of the PITPNM3 protein (p.Asp285Asn). This variant is present in population databases (rs751707041, gnomAD 0.004%). This variant has not been reported in the literature in individuals affected with PITPNM3-related conditions. ClinVar contains an entry for this variant (Variation ID: 889652). Advanced modeling of protein sequence and biophysical properties (such as structural, functional, and spatial information, amino acid conservation, physicochemical variation, residue mobility, and thermodynamic stability) performed at Invitae indicates that this missense variant is not expected to disrupt PITPNM3 protein function with a negative predictive value of 80%. In summary, the available evidence is currently insufficient to determine the role of this variant in disease. Therefore, it has been classified as a Variant of Uncertain Significance.

Illumina Laboratory Services, Illumina
Classification: Likely benign for Cone-rod dystrophy 5. Last evaluated: 2018-01-12. Review status: criteria provided, single submitter. Criteria: ICSL Variant Classification Criteria 13 December 2019. Collection method: clinical testing. Allele origin: germline.
Comment: This variant was observed in the ICSL laboratory as part of a predisposition screen in an ostensibly healthy population. It had not been previously curated by ICSL or reported in the Human Gene Mutation Database (HGMD: prior to June 1st, 2018), and was therefore a candidate for classification through an automated scoring system. Utilizing variant allele frequency, disease prevalence and penetrance estimates, and inheritance mode, an automated score was calculated to assess if this variant is too frequent to cause the disease. Based on the score and internal cut-off values, a variant classified as likely benign is not then subjected to further curation. The score for this variant resulted in a classification of likely benign for this disease.

NM_031220.4(PITPNM3):c.853G>A (p.Asp285Asn)

Gene: PITPNM3 (PITPNM family member 3; minus strand). Cytogenetic location: 17p13.2.
Variant type: single nucleotide variant.
Coding change: c.853G>A on transcript NM_031220.4 (MANE Select); coding-DNA position 853, G replaced by A.
Protein change: p.Asp285Asn; replaces aspartic acid 285 with asparagine.
Molecular consequence: missense variant.
Genome position (GRCh38, 1-based): chr17:6,478,022, C>T on the plus strand (G>A on the coding strand, the complement: PITPNM3 is on the minus strand). VCF-style: chr17-6478022-C-T. GRCh37 (hg19) VCF-style: chr17-6381342-C-T.
Other names: c.745G>A, p.Asp249Asn (NM_001165966.2); short protein forms D285N, D249N.
Identifiers: ClinVar variation 889652 (VCV000889652.13), dbSNP rs751707041, ClinGen allele CA8329717.